The following is an entry in ClinVar:

ClinVar aggregate classification (germline): Uncertain significance (1 of 4 stars; one submission).

Conditions:
Glycine encephalopathy. Also called: Nonketotic hyperglycinemia; Non-ketotic hyperglycinemia. Identifiers: Orphanet 407, MedGen C0751748, MONDO:0011612, HP:0008288.

Allele frequency attached by ClinVar (database versions not stated): gnomAD exomes below 0.00001 and 0.00001; TOPMed below 0.00001; gnomAD 0.00001; ExAC 0.00002.
gnomAD v4.1: 15 of 1,613,862 alleles (0.00093%); highest among the groups gnomAD compares: Non-Finnish European, 0.0013%; no homozygotes.

Submission:

Labcorp Genetics (formerly Invitae), Labcorp
Classification: Uncertain significance for Glycine encephalopathy. Last evaluated: 2022-07-19. Review status: criteria provided, single submitter. Criteria: Invitae Variant Classification Sherloc (09022015). Collection method: clinical testing. Allele origin: germline.
Comment: ClinVar contains an entry for this variant (Variation ID: 1406863). This variant has not been reported in the literature in individuals affected with GLDC-related conditions. This variant is present in population databases (rs751624844, gnomAD 0.002%). This sequence change replaces isoleucine, which is neutral and non-polar, with valine, which is neutral and non-polar, at codon 813 of the GLDC protein (p.Ile813Val). Algorithms developed to predict the effect of missense changes on protein structure and function are either unavailable or do not agree on the potential impact of this missense change (SIFT: "Deleterious"; PolyPhen-2: "Probably Damaging"; Align-GVGD: "Class C0"). In summary, the available evidence is currently insufficient to determine the role of this variant in disease. Therefore, it has been classified as a Variant of Uncertain Significance.

NM_000170.3(GLDC):c.2437A>G (p.Ile813Val)

Gene: GLDC (glycine decarboxylase; minus strand). Cytogenetic location: 9p24.1.
Variant type: single nucleotide variant.
Coding change: c.2437A>G on transcript NM_000170.3 (MANE Select); coding-DNA position 2437, A replaced by G.
Protein change: p.Ile813Val; replaces isoleucine 813 with valine.
Molecular consequence: missense variant.
Genome position (GRCh38, 1-based): chr9:6,553,388, T>C on the plus strand (A>G on the coding strand, the complement: GLDC is on the minus strand). VCF-style: chr9-6553388-T-C. GRCh37 (hg19) VCF-style: chr9-6553388-T-C.
Other names: short protein forms I813V.
Identifiers: ClinVar variation 1406863 (VCV001406863.7), dbSNP rs751624844, ClinGen allele CA4980234.